The following is an entry in ClinVar:

ClinVar aggregate classification (germline): Uncertain significance. Review status: criteria provided, multiple submitters, no conflicts (2 of 4 stars). 11 submissions from 8 submitters: Uncertain significance (11). Last evaluated 2025-11-13.

Conditions:
Sensory ataxic neuropathy, dysarthria, and ophthalmoparesis (SANDO). Also called: Ataxia Neuropathy Spectrum (ANS); Epilepsy, progressive myoclonic, type 5; SENSORY ATAXIC NEUROPATHY WITH MITOCHONDRIAL DNA DELETIONS, AUTOSOMAL RECESSIVE; Sensory ataxic neuropathy-dysarthria-ophthalmoparesis syndrome. Identifiers: Orphanet 70595, MedGen C1843851, MONDO:0011835, OMIM 607459.
Progressive external ophthalmoplegia with mitochondrial DNA deletions, autosomal dominant 3. Also called: PROGRESSIVE EXTERNAL OPHTHALMOPLEGIA, AUTOSOMAL DOMINANT 3. Identifiers: MedGen C1836439, MONDO:0012241, OMIM 609286.
Infantile onset spinocerebellar ataxia (MTDPS7). Also called: OHAHA SYNDROME; Mitochondrial DNA depletion syndrome 7 (hepatocerebral type); SPINOCEREBELLAR ATAXIA, INFANTILE, WITH SENSORY NEUROPATHY; OPHTHALMOPLEGIA, HYPOTONIA, ATAXIA, HYPOACUSIS, AND ATHETOSIS. Identifiers: Orphanet 1186, MedGen C1849096, MONDO:0010060, OMIM 271245.
Autosomal recessive cerebellar ataxia. Also called: Spinocerebellar Ataxia, Recessive; Spinocerebellar ataxia, autosomal recessive. Identifiers: Orphanet 1172, MedGen C5575375, MONDO:0015244.
TWNK-related disorder. Also called: TWNK-related condition.

Allele frequency attached by ClinVar (database versions not stated): gnomAD exomes below 0.00001 and 0.00001; gnomAD 0.00001; TOPMed 0.00001.

Submissions (11):

PreventionGenetics, part of Exact Sciences
Classification: Uncertain significance for TWNK-related condition. Last evaluated: 2025-11-13. Review status: criteria provided, single submitter. Criteria: ACMG Guidelines, 2015. Collection method: clinical testing. Allele origin: germline.
Comment: The TWNK c.1853C>T variant is predicted to result in the amino acid substitution p.Pro618Leu. This variant was reported in the homozygous state in an individual with mitochondrial DNA depletion syndrome (Table S2, Alfares et al. 2017. PubMed ID: 28454995) and in the heterozygous state without a second potentially causative variant in an individual with ptosis, generalized neonatal muscle weakness, delayed neck holding and walking, early fatigue, mild flat feet, and nasal speech (Table S2, Abolhassani et al. 2024. PubMed ID: 38374194). This variant has not been reported in a large population database (gnomAD), indicating this variant is rare. At this time, the clinical significance of this variant is uncertain due to the absence of conclusive functional and genetic evidence.

Labcorp Genetics (formerly Invitae), Labcorp
Classification: Uncertain significance. Last evaluated: 2025-09-30. Review status: criteria provided, single submitter. Criteria: Invitae Variant Classification Sherloc (09022015). Collection method: clinical testing. Allele origin: germline.
Comment: This sequence change replaces proline, which is neutral and non-polar, with leucine, which is neutral and non-polar, at codon 618 of the TWNK protein (p.Pro618Leu). This variant is present in population databases (no rsID available, gnomAD no frequency). This missense change has been observed in individual(s) with TWNK-related conditions (PMID: 28454995, 38374194). ClinVar contains an entry for this variant (Variation ID: 298504). Invitae Evidence Modeling of protein sequence and biophysical properties (such as structural, functional, and spatial information, amino acid conservation, physicochemical variation, residue mobility, and thermodynamic stability) has been performed for this missense variant. However, the output from this modeling did not meet the statistical confidence thresholds required to predict the impact of this variant on TWNK protein function. In summary, the available evidence is currently insufficient to determine the role of this variant in disease. Therefore, it has been classified as a Variant of Uncertain Significance.

Revvity Omics, Revvity
Classification: Uncertain significance. Last evaluated: 2024-12-11. Review status: criteria provided, single submitter. Criteria: ACMG Guidelines, 2015. Collection method: clinical testing. Allele origin: germline.

Genomic Medicine Center of Excellence, King Faisal Specialist Hospital and Research Centre
Classification: Uncertain significance for Progressive external ophthalmoplegia with mitochondrial DNA deletions, autosomal dominant 3. Last evaluated: 2024-03-25. Review status: criteria provided, single submitter. Criteria: ACMG Guidelines, 2015. Collection method: research. Allele origin: germline.

Mayo Clinic Laboratories, Mayo Clinic
Classification: Uncertain significance. Last evaluated: 2021-11-12. Review status: criteria provided, single submitter. Criteria: ACMG Guidelines, 2015. Collection method: clinical testing. Allele origin: germline.

Kariminejad - Najmabadi Pathology & Genetics Center
Classification: Uncertain significance. Last evaluated: 2019-12-10. Review status: criteria provided, single submitter. Criteria: ACMG Guidelines, 2015. Collection method: clinical testing. Allele origin: germline. Inheritance: Autosomal dominant inheritance. Affected: yes.
Comment: PM1,PM2,PP3

Illumina Laboratory Services, Illumina
Classification: Uncertain significance for Progressive external ophthalmoplegia with mitochondrial DNA deletions, autosomal dominant 3. Last evaluated: 2018-01-13. Review status: criteria provided, single submitter. Criteria: ICSL Variant Classification Criteria 13 December 2019. Collection method: clinical testing. Allele origin: germline.

Illumina Laboratory Services, Illumina
Classification: Uncertain significance for Sensory ataxic neuropathy-dysarthria-ophthalmoparesis syndrome. Last evaluated: 2018-01-13. Review status: criteria provided, single submitter. Criteria: ICSL Variant Classification Criteria 13 December 2019. Collection method: clinical testing. Allele origin: germline.

Illumina Laboratory Services, Illumina
Classification: Uncertain significance for Autosomal recessive cerebellar ataxia. Last evaluated: 2018-01-13. Review status: criteria provided, single submitter. Criteria: ICSL Variant Classification Criteria 13 December 2019. Collection method: clinical testing. Allele origin: germline.

Illumina Laboratory Services, Illumina
Classification: Uncertain significance for Infantile onset spinocerebellar ataxia. Last evaluated: 2018-01-13. Review status: criteria provided, single submitter. Criteria: ICSL Variant Classification Criteria 13 December 2019. Collection method: clinical testing. Allele origin: germline.

GeneDx
Classification: Uncertain significance. Last evaluated: 2016-03-25. Review status: criteria provided, single submitter. Criteria: GeneDx Variant Classification (06012015). Collection method: clinical testing. Allele origin: germline. Affected: yes.
Comment: The P618L variant in the C10orf2 gene has not been reported previously as a pathogenic variant, nor as a benign variant, to our knowledge. The P618L variant was not observed in approximately 6500 individuals of European and African American ancestry in the NHLBI Exome Sequencing Project, indicating it is not a common benign variant in these populations. The P618L variant is a semi-conservative amino acid substitution, which may impact secondary protein structure as these residues differ in some properties. This substitution occurs at a position that is not conserved. In silico analysis is inconsistent in its predictions as to whether or not the variant is damaging to the protein structure/function. We interpret P618L as a variant of uncertain significance.

Literature cited by the submitters: PubMed 28454995 (cited by Labcorp Genetics (formerly Invitae), Labcorp); PubMed 38374194 (cited by Labcorp Genetics (formerly Invitae), Labcorp).

NM_021830.5(TWNK):c.1853C>T (p.Pro618Leu)

Gene: TWNK (twinkle mtDNA helicase; plus strand). Cytogenetic location: 10q24.31.
Variant type: single nucleotide variant.
Coding change: c.1853C>T on transcript NM_021830.5 (MANE Select); coding-DNA position 1853, C replaced by T.
Protein change: p.Pro618Leu; replaces proline 618 with leucine.
Molecular consequence: missense variant. On other transcripts: 3 prime UTR variant (2), non-coding transcript variant (5).
Genome position (GRCh38, 1-based): chr10:100,993,308, C>T. VCF-style: chr10-100993308-C-T. GRCh37 (hg19) VCF-style: chr10-102753065-C-T.
Other names: p.Pro618Leu; c.1853C>T (NM_021830.3); c.*148C>T (NM_001163812.2, NM_001163814.2); c.491C>T, p.Pro164Leu (NM_001163813.2, NM_001368275.1); short protein forms P618L, P164L.
Identifiers: ClinVar variation 298504 (VCV000298504.19), dbSNP rs886046632, ClinGen allele CA10634726.
Genomic context (GRCh38, chr10:100,993,308, plus strand): 5'-CAGGGAAACGGTATCTGCAGGTGTCCAAGAACCGCTTTGATGGAGATGTAGGTGTCTTCC[C>T]GCTTGAGTTCAACAAGAACTCCCTCACCTTCTCCATTCCACCAAAGAACAAGGCCCGGCT-3'
Protein context (NP_068602.2, residues 608-628): NRFDGDVGVF[Pro618Leu]LEFNKNSLTF